The following is an entry in ClinVar:

ClinVar aggregate classification (germline): Uncertain significance (1 of 4 stars; one submission).

Conditions:
Pyruvate carboxylase deficiency. Also called: ATAXIA WITH LACTIC ACIDOSIS II; LEIGH NECROTIZING ENCEPHALOPATHY DUE TO PYRUVATE CARBOXYLASE DEFICIENCY; LEIGH SYNDROME DUE TO PYRUVATE CARBOXYLASE DEFICIENCY; PC DEFICIENCY; Pyruvate Carboxylase Deficiency Disease. Identifiers: Orphanet 3008, MedGen C0034341, MONDO:0009949, OMIM 266150.

Allele frequency attached by ClinVar (database versions not stated): ExAC 0.00001; gnomAD exomes 0.00001.
gnomAD v4.1: 10 of 1,613,716 alleles (0.00062%); highest among the groups gnomAD compares: South Asian, 0.0022%; no homozygotes.

Submission:

Labcorp Genetics (formerly Invitae), Labcorp
Classification: Uncertain significance for Pyruvate carboxylase deficiency. Last evaluated: 2021-08-31. Review status: criteria provided, single submitter. Criteria: Invitae Variant Classification Sherloc (09022015). Collection method: clinical testing. Allele origin: germline.
Comment: This sequence change replaces valine with methionine at codon 914 of the PC protein (p.Val914Met). The valine residue is highly conserved and there is a small physicochemical difference between valine and methionine. This variant is present in population databases (rs775626599, ExAC no frequency). This variant has not been reported in the literature in individuals affected with PC-related conditions. Algorithms developed to predict the effect of missense changes on protein structure and function are either unavailable or do not agree on the potential impact of this missense change (SIFT: "Deleterious"; PolyPhen-2: "Probably Damaging"; Align-GVGD: "Class C0"). In summary, the available evidence is currently insufficient to determine the role of this variant in disease. Therefore, it has been classified as a Variant of Uncertain Significance.

NM_001040716.2(PC):c.2740G>A (p.Val914Met)

Gene: PC (pyruvate carboxylase; minus strand). Cytogenetic location: 11q13.2.
Variant type: single nucleotide variant.
Coding change: c.2740G>A on transcript NM_001040716.2 (MANE Select); coding-DNA position 2740, G replaced by A.
Protein change: p.Val914Met; replaces valine 914 with methionine.
Molecular consequence: missense variant.
Genome position (GRCh38, 1-based): chr11:66,850,095, C>T on the plus strand (G>A on the coding strand, the complement: PC is on the minus strand). VCF-style: chr11-66850095-C-T. GRCh37 (hg19) VCF-style: chr11-66617566-C-T.
Other names: c.2740G>A, p.Val914Met (NM_000920.4, NM_022172.3); short protein forms V914M.
Identifiers: ClinVar variation 1444401 (VCV001444401.5), dbSNP rs775626599, ClinGen allele CA6130982.